The following is an entry in ClinVar:

ClinVar aggregate classification (germline): Uncertain significance (1 of 4 stars; one submission).

Allele frequency attached by ClinVar (database versions not stated): TOPMed below 0.00001.

Submission:

Labcorp Genetics (formerly Invitae), Labcorp
Classification: Uncertain significance. Last evaluated: 2022-07-15. Review status: criteria provided, single submitter. Criteria: Invitae Variant Classification Sherloc (09022015). Collection method: clinical testing. Allele origin: germline.
Comment: This sequence change replaces glycine, which is neutral and non-polar, with valine, which is neutral and non-polar, at codon 1309 of the MPDZ protein (p.Gly1309Val). This variant is not present in population databases (gnomAD no frequency). This variant has not been reported in the literature in individuals affected with MPDZ-related conditions. Algorithms developed to predict the effect of missense changes on protein structure and function (SIFT, PolyPhen-2, Align-GVGD) all suggest that this variant is likely to be tolerated. In summary, the available evidence is currently insufficient to determine the role of this variant in disease. Therefore, it has been classified as a Variant of Uncertain Significance.

NM_001378778.1(MPDZ):c.3926G>T (p.Gly1309Val)

Gene: MPDZ (multiple PDZ domain crumbs cell polarity complex component; minus strand). Cytogenetic location: 9p23.
Variant type: single nucleotide variant.
Coding change: c.3926G>T on transcript NM_001378778.1 (MANE Select); coding-DNA position 3926, G replaced by T.
Protein change: p.Gly1309Val; replaces glycine 1309 with valine.
Molecular consequence: missense variant.
Genome position (GRCh38, 1-based): chr9:13,140,064, C>A on the plus strand (G>T on the coding strand, the complement: MPDZ is on the minus strand). VCF-style: chr9-13140064-C-A. GRCh37 (hg19) VCF-style: chr9-13140063-C-A.
Other names: c.3716G>T, p.Gly1239Val (NM_001375420.1, NM_001375421.1, NM_001375422.1 and 4 more transcripts); c.3518G>T, p.Gly1173Val (NM_001375427.1); c.3827G>T, p.Gly1276Val (NM_001261406.2, NM_001261407.2, NM_001375416.1 and 3 more transcripts); c.3926G>T, p.Gly1309Val (NM_001330637.2, NM_001375413.1, NM_003829.5); short protein forms G1173V, G1276V, G1239V, G1309V.
Identifiers: ClinVar variation 1993461 (VCV001993461.4), dbSNP rs774809635, ClinGen allele CA372949623.